The following is an entry in ClinVar:

NM_016219.5(MAN1B1):c.1565T>C (p.Met522Thr)

Gene: MAN1B1 (mannosidase alpha class 1B member 1; plus strand). Cytogenetic location: 9q34.3.
Variant type: single nucleotide variant.
Coding change: c.1565T>C on transcript NM_016219.5 (MANE Select); coding-DNA position 1565, T replaced by C.
Protein change: p.Met522Thr; replaces methionine 522 with threonine.
Molecular consequence: missense variant. On other transcripts: non-coding transcript variant (2).
Genome position (GRCh38, 1-based): chr9:137,106,808, T>C. VCF-style: chr9-137106808-T-C. GRCh37 (hg19) VCF-style: chr9-140001260-T-C.
Other names: short protein forms M522T.
Identifiers: ClinVar variation 1500376 (VCV001500376.9), dbSNP rs764475116, ClinGen allele CA5359273.

ClinVar aggregate classification (germline): Uncertain significance. Review status: criteria provided, multiple submitters, no conflicts (2 of 4 stars). 2 submissions from 2 submitters: Uncertain significance (2). Last evaluated 2025-06-07.

Conditions:
Rafiq syndrome (RAFQS). Identifiers: Orphanet 88616, MedGen C3280127, MONDO:0013624, OMIM 614202.
Inborn genetic diseases. Identifiers: MedGen C0950123, MeSH D030342.

Allele frequency attached by ClinVar (database versions not stated): gnomAD 0.00001; gnomAD exomes 0.00003 and 0.00006; TOPMed 0.00003; ExAC 0.00007.
gnomAD v4.1: 17 of 1,613,072 alleles (0.0011%); highest among the groups gnomAD compares: Admixed American, 0.025%; no homozygotes.

Submissions (2):

Labcorp Genetics (formerly Invitae), Labcorp
Classification: Uncertain significance for Rafiq syndrome. Last evaluated: 2025-06-07. Review status: criteria provided, single submitter. Criteria: Invitae Variant Classification Sherloc (09022015). Collection method: clinical testing. Allele origin: germline.
Comment: This sequence change replaces methionine, which is neutral and non-polar, with threonine, which is neutral and polar, at codon 522 of the MAN1B1 protein (p.Met522Thr). This variant is present in population databases (rs764475116, gnomAD 0.04%). This variant has not been reported in the literature in individuals affected with MAN1B1-related conditions. ClinVar contains an entry for this variant (Variation ID: 1500376). An algorithm developed to predict the effect of missense changes on protein structure and function (PolyPhen-2) suggests that this variant is likely to be disruptive. In summary, the available evidence is currently insufficient to determine the role of this variant in disease. Therefore, it has been classified as a Variant of Uncertain Significance.

Ambry Genetics
Classification: Uncertain significance for Inborn genetic diseases. Last evaluated: 2025-01-01. Review status: criteria provided, single submitter. Criteria: Ambry Variant Classification Scheme 2023. Collection method: clinical testing. Allele origin: germline.